The following is an entry in ClinVar:

ClinVar aggregate classification (germline): Conflicting classifications of pathogenicity. Review status: criteria provided, conflicting classifications (1 of 4 stars). 2 submissions from 2 submitters: Uncertain significance (1); Likely benign (1). Last evaluated 2025-06-26.

Conditions:
Inborn genetic diseases. Identifiers: MedGen C0950123, MeSH D030342.

gnomAD v4.1: 32 of 1,613,852 alleles (0.002%); highest among the groups gnomAD compares: Admixed American, 0.0033%; no homozygotes.

Submissions (2):

GeneDx
Classification: Uncertain significance. Last evaluated: 2025-06-26. Review status: criteria provided, single submitter. Criteria: GeneDx Variant Classification Process June 2021. Collection method: clinical testing. Allele origin: germline. Affected: yes.
Comment: In silico analysis supports that this missense variant has a deleterious effect on protein structure/function; Has not been previously published as pathogenic or benign to our knowledge

Ambry Genetics
Classification: Likely benign for Inborn genetic diseases. Last evaluated: 2025-04-05. Review status: criteria provided, single submitter. Criteria: Ambry Variant Classification Scheme 2023. Collection method: clinical testing. Allele origin: germline.

NM_001394062.1(MACF1):c.21119G>A (p.Arg7040Gln)

Gene: MACF1 (microtubule actin crosslinking factor 1; plus strand). Cytogenetic location: 1p34.3.
Variant type: single nucleotide variant.
Coding change: c.21119G>A on transcript NM_001394062.1 (MANE Select); coding-DNA position 21119, G replaced by A.
Protein change: p.Arg7040Gln; replaces arginine 7040 with glutamine.
Molecular consequence: missense variant.
Genome position (GRCh38, 1-based): chr1:39,458,413, G>A. VCF-style: chr1-39458413-G-A. GRCh37 (hg19) VCF-style: chr1-39924085-G-A.
Other names: c.9197G>A, p.Arg3066Gln (NM_001397473.1); c.14942G>A, p.Arg4981Gln (NM_012090.5); short protein forms R4981Q, R3066Q, R7040Q.
Identifiers: ClinVar variation 4050315 (VCV004050315.2).